The following is an entry in ClinVar:

NM_152309.3(PIK3AP1):c.861T>C (p.Phe287=)

Gene: PIK3AP1 (phosphoinositide-3-kinase adaptor protein 1; minus strand). Cytogenetic location: 10q24.1.
Variant type: single nucleotide variant.
Coding change: c.861T>C on transcript NM_152309.3 (MANE Select); coding-DNA position 861, T replaced by C.
Protein change: p.Phe287=; no amino-acid change (phenylalanine 287 retained).
Molecular consequence: synonymous variant.
Genome position (GRCh38, 1-based): chr10:96,651,375, A>G on the plus strand (T>C on the coding strand, the complement: PIK3AP1 is on the minus strand). VCF-style: chr10-96651375-A-G. GRCh37 (hg19) VCF-style: chr10-98411132-A-G.
Identifiers: ClinVar variation 474933 (VCV000474933.14), dbSNP rs138990701, ClinGen allele CA5626426.

ClinVar aggregate classification (germline): Benign. Review status: criteria provided, single submitter (1 of 4 stars). 2 submissions from 2 submitters: Benign (1). 1 of the submissions does not count toward it. Last evaluated 2026-01-28.

Conditions:
Infantile spasms. Also called: Infantile spasm. Identifiers: MedGen C3887898, HP:0012469.
PIK3AP1-related disorder. Also called: PIK3AP1-related condition.

Allele frequency attached by ClinVar (database versions not stated): gnomAD exomes 0.00019 and 0.00057; ExAC 0.00066; gnomAD 0.00228 and 0.00235; 1000 Genomes Project 30x 0.00234; 1000 Genomes Project 0.00260; TOPMed 0.00263; ESP Exome Variant Server 0.00277.
gnomAD v4.1: 643 of 1,614,182 alleles (0.04%); highest among the groups gnomAD compares: African/African-American, 0.76%; 1 homozygote.

Submissions (2):

Labcorp Genetics (formerly Invitae), Labcorp
Classification: Benign for Infantile spasms. Last evaluated: 2026-01-28. Review status: criteria provided, single submitter. Criteria: Invitae Variant Classification Sherloc (09022015). Collection method: clinical testing. Allele origin: germline.

PreventionGenetics, part of Exact Sciences
Classification: Benign for PIK3AP1-related condition. Last evaluated: 2019-09-17. Review status: no assertion criteria provided. Collection method: clinical testing. Allele origin: germline. Not counted in ClinVar's aggregate classification.
Comment: This variant is classified as benign based on ACMG/AMP sequence variant interpretation guidelines (Richards et al. 2015 PMID: 25741868, with internal and published modifications).